The following is an entry in ClinVar:

NM_032603.5(LOXL3):c.313+3G>T

Genes: DOK1 (docking protein 1; plus strand), LOXL3 (lysyl oxidase like 3; minus strand). Cytogenetic location: 2p13.1.
Variant type: single nucleotide variant.
Coding change: c.313+3G>T on transcript NM_032603.5 (MANE Select); 3 bases into the intron after coding-DNA position 313, G replaced by T.
Molecular consequence: intron variant.
Genome position (GRCh38, 1-based): chr2:74,552,319, C>A on the plus strand (G>T on the coding strand, the complement: LOXL3 is on the minus strand). VCF-style: chr2-74552319-C-A. GRCh37 (hg19) VCF-style: chr2-74779446-C-A.
Other names: c.313+3G>T (NM_001289164.3); c.-357-2835C>A (NM_001197260.2).
Identifiers: ClinVar variation 2025378 (VCV002025378.4), dbSNP rs769428869, ClinGen allele CA2580068229.
Genomic context (GRCh38, chr2:74,552,319, plus strand): 5'-CCCTTTCCCTGCACTTTGGCCACACATAGGAAATATCTAGGATATGCCTGGATCATTGCT[C>A]ACCTGTTCCAGGGCCATATTTGGCACTGTGGGTCCAGCCTGTGGCCTCTGTGAAGCCCAG-3'

ClinVar aggregate classification (germline): Uncertain significance (1 of 4 stars; one submission).

gnomAD v4.1: 1 of 1,594,518 alleles (0.000063%); highest among the groups gnomAD compares: Middle Eastern, 0.017%; no homozygotes.

Submission:

Labcorp Genetics (formerly Invitae), Labcorp
Classification: Uncertain significance. Last evaluated: 2024-10-07. Review status: criteria provided, single submitter. Criteria: Invitae Variant Classification Sherloc (09022015). Collection method: clinical testing. Allele origin: germline.
Comment: This sequence change falls in intron 2 of the LOXL3 gene. It does not directly change the encoded amino acid sequence of the LOXL3 protein. It affects a nucleotide within the consensus splice site. This variant is not present in population databases (gnomAD no frequency). This variant has not been reported in the literature in individuals affected with LOXL3-related conditions. ClinVar contains an entry for this variant (Variation ID: 2025378). Variants that disrupt the consensus splice site are a relatively common cause of aberrant splicing (PMID: 17576681, 9536098). Algorithms developed to predict the effect of sequence changes on RNA splicing suggest that this variant is not likely to affect RNA splicing. In summary, the available evidence is currently insufficient to determine the role of this variant in disease. Therefore, it has been classified as a Variant of Uncertain Significance.

Literature cited by the submitters: PubMed 17576681; PubMed 9536098.